The following is an entry in ClinVar:

ClinVar aggregate classification (germline): Benign/Likely benign. Review status: criteria provided, multiple submitters, no conflicts (2 of 4 stars). 7 submissions from 7 submitters: Benign (2); Likely benign (4). 1 of the submissions does not count toward it. Last evaluated 2026-08-01.

Conditions:
Inborn genetic diseases. Identifiers: MedGen C0950123, MeSH D030342.
Hereditary diffuse leukoencephalopathy with spheroids. Also called: LEUKOENCEPHALOPATHY, ADULT-ONSET, WITH AXONAL SPHEROIDS AND PIGMENTED GLIA. Identifiers: Orphanet 313808, MedGen C3711381, MONDO:0030796.

Allele frequency attached by ClinVar (database versions not stated): ESP Exome Variant Server 0.00108; TOPMed 0.00132; gnomAD exomes 0.00137; ExAC 0.00149.
gnomAD v4.1: 3,555 of 1,608,476 alleles (0.22%); highest among the groups gnomAD compares: Non-Finnish European, 0.27%; 10 homozygotes.

Submissions (7):

CeGaT Center for Human Genetics Tuebingen
Classification: Likely benign. Last evaluated: 2026-08-01. Review status: criteria provided, single submitter. Criteria: CeGaT Center For Human Genetics Tuebingen Variant Classification Criteria Version 2. Collection method: clinical testing. Allele origin: germline. Affected: yes. Observed: 6 variant alleles.
Comment: CSF1R: BP4, BS1

Labcorp Genetics (formerly Invitae), Labcorp
Classification: Likely benign. Last evaluated: 2025-12-20. Review status: criteria provided, single submitter. Criteria: Invitae Variant Classification Sherloc (09022015). Collection method: clinical testing. Allele origin: germline.

Mayo Clinic Laboratories, Mayo Clinic
Classification: Benign. Last evaluated: 2025-05-16. Review status: criteria provided, single submitter. Criteria: ACMG Guidelines, 2015. Collection method: clinical testing. Allele origin: germline. Observed: 8 variant alleles.
Comment: BS1, BS2, BP4, BP7

Blueprint Genetics
Classification: Likely benign. Last evaluated: 2024-11-21. Review status: criteria provided, single submitter. Criteria: ACMG Guidelines, 2015. Collection method: clinical testing. Allele origin: germline.

Ambry Genetics
Classification: Likely benign for Inborn genetic diseases. Last evaluated: 2021-09-13. Review status: criteria provided, single submitter. Criteria: Ambry Variant Classification Scheme 2023. Collection method: clinical testing. Allele origin: germline.

Illumina Laboratory Services, Illumina
Classification: Benign for Leukoencephalopathy, diffuse hereditary, with spheroids 1. Last evaluated: 2018-01-13. Review status: criteria provided, single submitter. Criteria: ICSL Variant Classification Criteria 13 December 2019. Collection method: clinical testing. Allele origin: germline.
Comment: This variant was observed in the ICSL laboratory as part of a predisposition screen in an ostensibly healthy population. It had not been previously curated by ICSL or reported in the Human Gene Mutation Database (HGMD: prior to June 1st, 2018), and was therefore a candidate for classification through an automated scoring system. Utilizing variant allele frequency, disease prevalence and penetrance estimates, and inheritance mode, an automated score was calculated to assess if this variant is too frequent to cause the disease. Based on the score and internal cut-off values, a variant classified as benign is not then subjected to further curation. The score for this variant resulted in a classification of benign for this disease.

Clinical Genetics DNA and cytogenetics Diagnostics Lab, Erasmus MC, Erasmus Medical Center
Classification: Likely benign. Review status: no assertion criteria provided. Collection method: clinical testing. Allele origin: germline. Affected: yes. Study: VKGL Data-share Consensus. Not counted in ClinVar's aggregate classification.

NM_001288705.3(CSF1R):c.1626+3G>A

Gene: CSF1R (colony stimulating factor 1 receptor; minus strand). Cytogenetic location: 5q32.
Variant type: single nucleotide variant.
Coding change: c.1626+3G>A on transcript NM_001288705.3 (MANE Select); 3 bases into the intron after coding-DNA position 1626, G replaced by A.
Molecular consequence: intron variant.
Genome position (GRCh38, 1-based): chr5:150,068,212, C>T on the plus strand (G>A on the coding strand, the complement: CSF1R is on the minus strand). VCF-style: chr5-150068212-C-T. GRCh37 (hg19) VCF-style: chr5-149447775-C-T.
Other names: p.?; c.1182+3G>A (NM_001375321.1); c.1626+3G>A (NM_005211.4, NM_001375320.1, NM_001349736.2).
Identifiers: ClinVar variation 352148 (VCV000352148.28), dbSNP rs41424145, ClinGen allele CA3506768.